The following is an entry in ClinVar:

ClinVar aggregate classification (germline): Uncertain significance (1 of 4 stars; one submission).

Conditions:
Autosomal recessive limb-girdle muscular dystrophy type 2D (LGMDR3). Also called: DUCHENNE-LIKE AUTOSOMAL RECESSIVE MUSCULAR DYSTROPHY, TYPE 2; MUSCULAR DYSTROPHY, LIMB-GIRDLE, AUTOSOMAL RECESSIVE 3; ADHALINOPATHY, PRIMARY. Identifiers: Orphanet 62, MedGen C2936332, MONDO:0011968, OMIM 608099. Disease mechanism: Affects gamma-sarcoglycan and also disrupts the integrity of the entire sarcoglycan complex..

Submission:

Labcorp Genetics (formerly Invitae), Labcorp
Classification: Uncertain significance for Autosomal recessive limb-girdle muscular dystrophy type 2D. Last evaluated: 2024-10-28. Review status: criteria provided, single submitter. Criteria: Invitae Variant Classification Sherloc (09022015). Collection method: clinical testing. Allele origin: germline.
Comment: This sequence change replaces alanine, which is neutral and non-polar, with valine, which is neutral and non-polar, at codon 281 of the SGCA protein (p.Ala281Val). This variant is not present in population databases (gnomAD no frequency). This variant has not been reported in the literature in individuals affected with SGCA-related conditions. ClinVar contains an entry for this variant (Variation ID: 966829). Invitae Evidence Modeling of protein sequence and biophysical properties (such as structural, functional, and spatial information, amino acid conservation, physicochemical variation, residue mobility, and thermodynamic stability) has been performed for this missense variant. However, the output from this modeling did not meet the statistical confidence thresholds required to predict the impact of this variant on SGCA protein function. In summary, the available evidence is currently insufficient to determine the role of this variant in disease. Therefore, it has been classified as a Variant of Uncertain Significance.

NM_000023.4(SGCA):c.842C>T (p.Ala281Val)

Gene: SGCA (sarcoglycan alpha; plus strand). Cytogenetic location: 17q21.33.
Variant type: single nucleotide variant.
Coding change: c.842C>T on transcript NM_000023.4 (MANE Select); coding-DNA position 842, C replaced by T.
Protein change: p.Ala281Val; replaces alanine 281 with valine.
Molecular consequence: missense variant. On other transcripts: intron variant (1).
Genome position (GRCh38, 1-based): chr17:50,170,237, C>T. VCF-style: chr17-50170237-C-T. GRCh37 (hg19) VCF-style: chr17-48247598-C-T.
Other names: c.585-403C>T (NM_001135697.3); short protein forms A281V.
Identifiers: ClinVar variation 966829 (VCV000966829.10), dbSNP rs1905262104, ClinGen allele CA400182092.